The following is an entry in ClinVar:

NM_000334.4(SCN4A):c.2479G>T (p.Gly827Trp)

Genes: GH-LCR (growth hormone locus control region; plus strand), SCN4A (sodium voltage-gated channel alpha subunit 4; minus strand). Cytogenetic location: 17q23.3.
Variant type: single nucleotide variant.
Coding change: c.2479G>T on transcript NM_000334.4 (MANE Select); coding-DNA position 2479, G replaced by T.
Protein change: p.Gly827Trp; replaces glycine 827 with tryptophan.
Molecular consequence: missense variant.
Genome position (GRCh38, 1-based): chr17:63,951,798, C>A on the plus strand (G>T on the coding strand, the complement: SCN4A is on the minus strand). VCF-style: chr17-63951798-C-A. GRCh37 (hg19) VCF-style: chr17-62029158-C-A.
Other names: short protein forms G827W.
Identifiers: ClinVar variation 952415 (VCV000952415.2), dbSNP rs1028907866, ClinGen allele CA400627012.

ClinVar aggregate classification (germline): Uncertain significance. Review status: criteria provided, multiple submitters, no conflicts (2 of 4 stars). 2 submissions from 2 submitters: Uncertain significance (2). Last evaluated 2021-07-01.

Conditions:
Potassium-aggravated myotonia. Also called: Myotonia congenita, atypical, acetazolamide-responsive; MYOTONIA CONGENITA, ACETAZOLAMIDE-RESPONSIVE; MYOTONIA CONGENITA, ATYPICAL; SODIUM CHANNEL MUSCLE DISEASE. Identifiers: Orphanet 612, Orphanet 99734, Orphanet 99735, Orphanet 99736, MedGen C2931826, MONDO:0018959, OMIM 608390.
Congenital myasthenic syndrome 16. Identifiers: Orphanet 590, MedGen C3280112, MONDO:0013620, OMIM 614198.
Paramyotonia congenita of Von Eulenburg. Also called: Paramyotonia Congenita; PARALYSIS PERIODICA PARAMYOTONICA; Eulenburg disease; Myotonia congenita intermittens; Von Eulenburg paramyotonia congenita. Identifiers: Orphanet 684, MedGen C0221055, MONDO:0008195, OMIM 168300. Disease mechanism: loss of function.
Hypokalemic periodic paralysis, type 2 (HOKPP2). Identifiers: Orphanet 681, MedGen C2750061, MONDO:0013234, OMIM 613345.
Hypokalemic periodic paralysis, type 1. Also called: Hypokalemic Periodic Paralysis Type 1 (AD); HypoPP. Identifiers: Orphanet 681, MedGen C3714580, MONDO:0042979, OMIM 170400.
Hyperkalemic periodic paralysis. Also called: Familial hyperkalemic periodic paralysis; Gamstorp disease. Identifiers: Orphanet 682, MedGen C0238357, MONDO:0008224, OMIM 170500, HP:0007215.

gnomAD v4.1: 3 of 1,583,698 alleles (0.00019%); highest among the groups gnomAD compares: Non-Finnish European, 0.00026%; no homozygotes.

Submissions (2):

Fulgent Genetics
Classification: Uncertain significance for Paramyotonia congenita of Von Eulenburg; Hypokalemic periodic paralysis, type 1; Hyperkalemic periodic paralysis; Potassium-aggravated myotonia; Hypokalemic periodic paralysis, type 2; Congenital myasthenic syndrome 16. Last evaluated: 2021-07-01. Review status: criteria provided, single submitter. Criteria: ACMG Guidelines, 2015. Collection method: clinical testing. Allele origin: unknown.

Labcorp Genetics (formerly Invitae), Labcorp
Classification: Uncertain significance for Hyperkalemic Periodic Paralysis Type 1. Last evaluated: 2019-05-02. Review status: criteria provided, single submitter. Criteria: Invitae Variant Classification Sherloc (09022015). Collection method: clinical testing. Allele origin: germline.
Comment: This sequence change replaces glycine with tryptophan at codon 827 of the SCN4A protein (p.Gly827Trp). The glycine residue is moderately conserved and there is a large physicochemical difference between glycine and tryptophan. This variant is not present in population databases (ExAC no frequency). This variant has not been reported in the literature in individuals with SCN4A-related conditions. Algorithms developed to predict the effect of missense changes on protein structure and function output the following: SIFT: "Deleterious"; PolyPhen-2: "Benign"; Align-GVGD: "Class C25". The tryptophan amino acid residue is found in multiple mammalian species, suggesting that this missense change does not adversely affect protein function. These predictions have not been confirmed by published functional studies and their clinical significance is uncertain. In summary, the available evidence is currently insufficient to determine the role of this variant in disease. Therefore, it has been classified as a Variant of Uncertain Significance.